The following is an entry in ClinVar:

NM_007194.4(CHEK2):c.592+17A>G

Gene: CHEK2 (checkpoint kinase 2; minus strand). Cytogenetic location: 22q12.1.
Variant type: single nucleotide variant.
Coding change: c.592+17A>G on transcript NM_007194.4 (MANE Select); 17 bases into the intron after coding-DNA position 592, A replaced by G.
Molecular consequence: intron variant.
Genome position (GRCh38, 1-based): chr22:28,724,960, T>C on the plus strand (A>G on the coding strand, the complement: CHEK2 is on the minus strand). VCF-style: chr22-28724960-T-C. GRCh37 (hg19) VCF-style: chr22-29120948-T-C.
Other names: c.-72+17A>G (NM_001437942.1); c.445-37A>G (NM_001349956.3); c.592+17A>G (NM_145862.3); c.-186+17A>G (NM_001257387.3); c.685+17A>G (NM_001438295.1, NM_001438293.1); c.721+17A>G (NM_001438294.1, NM_001005735.3).
Identifiers: ClinVar variation 921909 (VCV000921909.12), dbSNP rs2053934609, ClinGen allele CA913189028.

ClinVar aggregate classification (germline): Benign/Likely benign. Review status: criteria provided, multiple submitters, no conflicts (2 of 4 stars). 3 submissions from 3 submitters: Benign (1); Likely benign (2). Last evaluated 2024-10-03.

Conditions:
Familial cancer of breast. Also called: BREAST CANCER, FAMILIAL; hereditary breast carcinoma; Hereditary breast cancer. Identifiers: Orphanet 227535, MedGen C0346153, MONDO:0016419, OMIM 114480. Disease mechanism: loss of function.
Hereditary cancer-predisposing syndrome. Also called: Neoplastic Syndromes, Hereditary; Tumor predisposition; Hereditary Cancer Syndrome; Hereditary neoplastic syndrome. Identifiers: Orphanet 140162, MedGen C0027672, MeSH D009386, MONDO:0015356.

Submissions (3):

Myriad Genetics, Inc.
Classification: Benign for Familial cancer of breast. Last evaluated: 2024-10-03. Review status: criteria provided, single submitter. Criteria: Myriad Autosomal Dominant, Autosomal Recessive and X-Linked Classification Criteria (2023). Collection method: clinical testing. Allele origin: unknown.
Comment: This variant is considered benign. This variant is intronic and is not expected to impact mRNA splicing.

Labcorp Genetics (formerly Invitae), Labcorp
Classification: Likely benign for Familial cancer of breast. Last evaluated: 2024-09-09. Review status: criteria provided, single submitter. Criteria: Invitae Variant Classification Sherloc (09022015). Collection method: clinical testing. Allele origin: germline.

Color Diagnostics, LLC DBA Color Health
Classification: Likely benign for Hereditary cancer-predisposing syndrome. Last evaluated: 2019-01-03. Review status: criteria provided, single submitter. Criteria: ACMG Guidelines, 2015. Collection method: clinical testing. Allele origin: germline.